The following is an entry in ClinVar:

ClinVar aggregate classification (germline): Uncertain significance (1 of 4 stars; one submission).

gnomAD v4.1: 2 of 1,613,718 alleles (0.00012%); highest among the groups gnomAD compares: Non-Finnish European, 0.000085%; no homozygotes.

Submission:

Labcorp Genetics (formerly Invitae), Labcorp
Classification: Uncertain significance. Last evaluated: 2022-08-22. Review status: criteria provided, single submitter. Criteria: Invitae Variant Classification Sherloc (09022015). Collection method: clinical testing. Allele origin: germline.
Comment: This sequence change falls in intron 23 of the TMPRSS15 gene. It does not directly change the encoded amino acid sequence of the TMPRSS15 protein. It affects a nucleotide within the consensus splice site. The frequency data for this variant in the population databases is considered unreliable, as metrics indicate poor data quality at this position in the gnomAD database. This variant has not been reported in the literature in individuals affected with TMPRSS15-related conditions. Variants that disrupt the consensus splice site are a relatively common cause of aberrant splicing (PMID: 17576681, 9536098). Algorithms developed to predict the effect of sequence changes on RNA splicing suggest that this variant may disrupt the consensus splice site. In summary, the available evidence is currently insufficient to determine the role of this variant in disease. Therefore, it has been classified as a Variant of Uncertain Significance.

Literature cited by the submitters: PubMed 17576681; PubMed 9536098.

NM_002772.3(TMPRSS15):c.2765-3C>A

Gene: TMPRSS15 (transmembrane serine protease 15; minus strand). Cytogenetic location: 21q21.1.
Variant type: single nucleotide variant.
Coding change: c.2765-3C>A on transcript NM_002772.3 (MANE Select); 3 bases into the intron before coding-DNA position 2765, C replaced by A.
Molecular consequence: intron variant.
Genome position (GRCh38, 1-based): chr21:18,275,339, G>T on the plus strand (C>A on the coding strand, the complement: TMPRSS15 is on the minus strand). VCF-style: chr21-18275339-G-T. GRCh37 (hg19) VCF-style: chr21-19647656-G-T.
Identifiers: ClinVar variation 2025486 (VCV002025486.1), dbSNP rs532367416, ClinGen allele CA636791384.